The following is an entry in ClinVar:

NM_001103146.3(GIGYF2):c.546T>A (p.Phe182Leu)

Gene: GIGYF2 (GRB10 interacting GYF protein 2; plus strand). Cytogenetic location: 2q37.1.
Variant type: single nucleotide variant.
Coding change: c.546T>A on transcript NM_001103146.3 (MANE Select); coding-DNA position 546, T replaced by A.
Protein change: p.Phe182Leu; replaces phenylalanine 182 with leucine.
Molecular consequence: missense variant. On other transcripts: non-coding transcript variant (1).
Genome position (GRCh38, 1-based): chr2:232,787,163, T>A. VCF-style: chr2-232787163-T-A. GRCh37 (hg19) VCF-style: chr2-233651873-T-A.
Other names: c.612T>A, p.Phe204Leu (NM_001103147.2); c.546T>A, p.Phe182Leu (NM_001103148.2, NM_015575.4); short protein forms F182L, F204L.
Identifiers: ClinVar variation 4891409 (VCV004891409.1).

ClinVar aggregate classification (germline): Uncertain significance (1 of 4 stars; one submission).

Submission:

GeneDx
Classification: Uncertain significance. Last evaluated: 2023-11-01. Review status: criteria provided, single submitter. Criteria: GeneDx Variant Classification Process June 2021. Collection method: clinical testing. Allele origin: germline.
Comment: Has not been previously published as pathogenic or benign to our knowledge; Not observed at significant frequency in large population cohorts (gnomAD); In silico analysis supports that this missense variant has a deleterious effect on protein structure/function; Variants in candidate genes are classified as variants of uncertain significance in accordance with ACMG guidelines (PMID: 25741868)